The following is an entry in ClinVar:

NM_000660.7(TGFB1):c.388A>G (p.Ser130Gly)

Gene: TGFB1 (transforming growth factor beta 1; minus strand). Cytogenetic location: 19q13.2.
Variant type: single nucleotide variant.
Coding change: c.388A>G on transcript NM_000660.7 (MANE Select); coding-DNA position 388, A replaced by G.
Protein change: p.Ser130Gly; replaces serine 130 with glycine.
Molecular consequence: missense variant.
Genome position (GRCh38, 1-based): chr19:41,348,423, T>C on the plus strand (A>G on the coding strand, the complement: TGFB1 is on the minus strand). VCF-style: chr19-41348423-T-C. GRCh37 (hg19) VCF-style: chr19-41854328-T-C.
Other names: short protein forms S130G.
Identifiers: ClinVar variation 1721404 (VCV001721404.5), dbSNP rs1333379998, ClinGen allele CA406003763.

ClinVar aggregate classification (germline): Uncertain significance (1 of 4 stars; one submission).

Allele frequency attached by ClinVar (database versions not stated): gnomAD exomes below 0.00001.
gnomAD v4.1: 1 of 1,613,224 alleles (0.000062%); highest among the groups gnomAD compares: Non-Finnish European, 0.000085%; no homozygotes.

Submission:

Labcorp Genetics (formerly Invitae), Labcorp
Classification: Uncertain significance. Last evaluated: 2022-10-10. Review status: criteria provided, single submitter. Criteria: Invitae Variant Classification Sherloc (09022015). Collection method: clinical testing. Allele origin: germline.
Comment: In summary, the available evidence is currently insufficient to determine the role of this variant in disease. Therefore, it has been classified as a Variant of Uncertain Significance. Algorithms developed to predict the effect of sequence changes on RNA splicing suggest that this variant may disrupt the consensus splice site. Advanced modeling of protein sequence and biophysical properties (such as structural, functional, and spatial information, amino acid conservation, physicochemical variation, residue mobility, and thermodynamic stability) performed at Invitae indicates that this missense variant is not expected to disrupt TGFB1 protein function. This variant has not been reported in the literature in individuals affected with TGFB1-related conditions. This variant is present in population databases (no rsID available, gnomAD 0.0009%). This sequence change replaces serine, which is neutral and polar, with glycine, which is neutral and non-polar, at codon 130 of the TGFB1 protein (p.Ser130Gly).